The following is an entry in ClinVar:

NM_001128425.2(MUTYH):c.36G>T (p.Trp12Cys)

Genes: MUTYH (mutY DNA glycosylase; minus strand), TOE1 (target of EGR1, exonuclease; plus strand). Cytogenetic location: 1p34.1.
Variant type: single nucleotide variant.
Coding change: c.36G>T on transcript NM_001128425.2 (MANE Plus Clinical); coding-DNA position 36, G replaced by T.
Protein change: p.Trp12Cys; replaces tryptophan 12 with cysteine.
Molecular consequence: missense variant. On other transcripts: 5 prime UTR variant (7), non-coding transcript variant (2), intron variant (1).
Genome position (GRCh38, 1-based): chr1:45,340,219, C>A on the plus strand (G>T on the coding strand, the complement: MUTYH is on the minus strand). VCF-style: chr1-45340219-C-A. GRCh37 (hg19) VCF-style: chr1-45805891-C-A.
Other names: c.-34C>A (NM_025077.4); c.-7G>T (NM_001048171.2); c.36G>T, p.Trp12Cys (NM_001293190.2, NM_001407069.1, NM_001407073.1 and 1 more transcripts); c.-219G>T (NM_001293192.2); c.-278G>T (NM_001350650.2); c.-214G>T (NM_001350651.2); c.-23G>T (NM_001407070.1, NM_001407071.1); c.-7+4G>T (NM_001407072.1); short protein forms W12C.
Identifiers: ClinVar variation 1498998 (VCV001498998.8), dbSNP rs767402084, ClinGen allele CA340137827.
Genomic context (GRCh38, chr1:45,340,219, plus strand): 5'-CCCCGCCCCATCCCCGACTGCCTGAACCGCGCCAGGAGACGGACCGCAAGTCCAGCGTAC[C>A]CACAGACGACTCAGGCGGGAGACGAGCGGTGTCATGGCCGCCGACAGTGACGATGGCGCA-3'
Protein context (NP_001121897.1, residues 2-22): TPLVSRLSRL[Trp12Cys]AIMRKPRAAV

ClinVar aggregate classification (germline): Uncertain significance (1 of 4 stars; one submission).

Conditions:
Familial adenomatous polyposis 2. Also called: COLORECTAL ADENOMATOUS POLYPOSIS, AUTOSOMAL RECESSIVE; ADENOMAS, MULTIPLE COLORECTAL, AUTOSOMAL RECESSIVE; MYH-associated polyposis; MUTYH Polyposis; Adenomas, multiple colorectal; FAP type 2. Identifiers: Orphanet 220460, Orphanet 247798, MedGen C3272841, MONDO:0012041, OMIM 608456.

gnomAD v4.1: 1 of 1,613,868 alleles (0.000062%); highest among the groups gnomAD compares: Non-Finnish European, 0.000085%; no homozygotes.

Submissions (2):

Labcorp Genetics (formerly Invitae), Labcorp
Classification: Uncertain significance for Familial adenomatous polyposis 2. Last evaluated: 2022-10-09. Review status: criteria provided, single submitter. Criteria: Invitae Variant Classification Sherloc (09022015). Collection method: clinical testing. Allele origin: germline.
Comment: This variant has not been reported in the literature in individuals affected with MUTYH-related conditions. This variant is not present in population databases (gnomAD no frequency). This sequence change replaces tryptophan, which is neutral and slightly polar, with cysteine, which is neutral and slightly polar, at codon 12 of the MUTYH protein (p.Trp12Cys). This variant also falls at the last nucleotide of exon 1, which is part of the consensus splice site for this exon. ClinVar contains an entry for this variant (Variation ID: 1498998). In summary, the available evidence is currently insufficient to determine the role of this variant in disease. Therefore, it has been classified as a Variant of Uncertain Significance. Variants that disrupt the consensus splice site are a relatively common cause of aberrant splicing (PMID: 17576681, 9536098). Algorithms developed to predict the effect of sequence changes on RNA splicing suggest that this variant may disrupt the consensus splice site. Algorithms developed to predict the effect of missense changes on protein structure and function output the following: SIFT: "Tolerated"; PolyPhen-2: "Benign"; Align-GVGD: "Class C0". The cysteine amino acid residue is found in multiple mammalian species, which suggests that this missense change does not adversely affect protein function.

Dr. Peter K. Rogan Lab, Western University
No classification provided (evidence only). Condition: Familial pancreatic carcinoma. Review status: no classification provided. Collection method: in vitro. Allele origin: not applicable. Functional consequence: retained intron. Not counted in ClinVar's aggregate classification.

Literature cited by the submitters: PubMed 17576681 (cited by Labcorp Genetics (formerly Invitae), Labcorp); PubMed 9536098 (cited by Labcorp Genetics (formerly Invitae), Labcorp).